The following is an entry in ClinVar:

NM_000313.4(PROS1):c.1501T>C (p.Ser501Pro)

Gene: PROS1 (protein S; minus strand). Cytogenetic location: 3q11.1.
Variant type: single nucleotide variant.
Coding change: c.1501T>C on transcript NM_000313.4 (MANE Select); coding-DNA position 1501, T replaced by C.
Protein change: p.Ser501Pro; replaces serine 501 with proline.
Molecular consequence: missense variant.
Genome position (GRCh38, 1-based): chr3:93,879,306, A>G on the plus strand (T>C on the coding strand, the complement: PROS1 is on the minus strand). VCF-style: chr3-93879306-A-G. GRCh37 (hg19) VCF-style: chr3-93598150-A-G.
Other names: S460P; c.1597T>C, p.Ser533Pro (NM_001314077.2); short protein forms S501P, S533P.
Identifiers: ClinVar variation 13316 (VCV000013316.30), dbSNP rs121918472, ClinGen allele CA123029.

ClinVar aggregate classification (germline): Conflicting classifications of pathogenicity. Review status: criteria provided, conflicting classifications (1 of 4 stars). 15 submissions from 14 submitters: Pathogenic (1); Likely pathogenic (1); Uncertain significance (9). 4 of the submissions do not count toward it. Last evaluated 2026-06-25.

Conditions:
Hereditary thrombophilia due to congenital protein S deficiency. Identifiers: Orphanet 743, MedGen C2584611, MONDO:0019144.
PROS1-related disorder. Also called: PROS1-related condition.
Optic atrophy. Identifiers: MedGen C0029124, MONDO:0003608, HP:0000648.
Retinal dystrophy. Also called: Inherited retinal dystrophy. Identifiers: Orphanet 71862, MedGen C0854723, MeSH D058499, MONDO:0019118, HP:0000556.
Thrombophilia due to protein S deficiency, autosomal recessive (THPH6). Identifiers: Orphanet 743, MedGen C3281092, MONDO:0013791, OMIM 614514. Disease mechanism: loss of function.
Thrombophilia due to protein S deficiency, autosomal dominant (THPH5). Identifiers: Orphanet 26349, Orphanet 743, MedGen C3278211, MONDO:0012868, OMIM 612336. Disease mechanism: loss of function.
Protein S Heerlen.

Allele frequency attached by ClinVar (database versions not stated): 1000 Genomes Project 30x 0.00125; TOPMed 0.00254; 1000 Genomes Project 0.00100.
gnomAD v4.1: 5,000 of 1,613,946 alleles (0.31%); highest among the groups gnomAD compares: Non-Finnish European, 0.38%; 8 homozygotes.

Submissions 1 to 7 of 15:

PreventionGenetics, part of Exact Sciences
Classification: Uncertain significance for PROS1-related condition. Last evaluated: 2026-06-25. Review status: criteria provided, single submitter. Criteria: ACMG Guidelines, 2015. Collection method: clinical testing. Allele origin: germline.
Comment: The PROS1 c.1501T>C variant is predicted to result in the amino acid substitution p.Ser501Pro. This variant, alternatively referred to as protein S Heerlen and p.Ser460Pro in the literature and legacy nomenclature, has been reported in the heterozygous state in several individuals with protein S (PS) deficiency (Duchemin et al. 1995. PubMed ID: 7579448; Wypasek et al. 2017. PubMed ID: 28607330). This variant has been reported in the compound heterozygous state in individuals with PS deficiency and thrombosis (Bertina et al. 1990. PubMed ID: 2143091); however, the authors were uncertain on the variant's role in pathogenicity. It has also been reported in asymptomatic carriers and controls (Beauchamp et al. 2004. PubMed ID: 15147381; Pintao et al. 2013. PubMed ID: 24014240). One functional study demonstrated no significant change from wild-type in regard to protein expression levels, secretion and binding properties to C4BP (Giri et al. 2000. PubMed ID: 10887114). In contrast, an in vivo functional study using mouse models showed a 3-fold increase in protein clearance rate compared to wild-type, which was only partially compensated by addition of C4BP (Denis et al. 2005. PubMed ID: 16100035). This variant is reported in 0.33% of alleles in individuals of European (non-Finnish) descent in gnomAD, including 1 homozygote. This variant has conflicting classifications listed in ClinVar ranging from likely benign to pathogenic (ClinVar ID: 13316). At this time, the clinical significance of this variant is uncertain due to the absence of conclusive functional and genetic evidence.

Mayo Clinic Laboratories, Mayo Clinic
Classification: Pathogenic. Last evaluated: 2025-05-14. Review status: criteria provided, single submitter. Criteria: ACMG Guidelines, 2015. Collection method: clinical testing. Allele origin: germline. Observed: 22 variant alleles.
Comment: PP5, PS3, PS4

Institute of Human Genetics, Univ. Regensburg, Univ. Regensburg
Classification: Uncertain significance for Optic atrophy. Last evaluated: 2023-01-01. Review status: criteria provided, single submitter. Criteria: ACMG Guidelines, 2015. Collection method: clinical testing. Allele origin: germline. Affected: yes.

Institute of Human Genetics, Univ. Regensburg, Univ. Regensburg
Classification: Uncertain significance for Retinal dystrophy. Last evaluated: 2023-01-01. Review status: criteria provided, single submitter. Criteria: ACMG Guidelines, 2015. Collection method: clinical testing. Allele origin: germline. Affected: yes.

Labcorp Genetics (formerly Invitae), Labcorp
Classification: Uncertain significance for Thrombophilia due to protein S deficiency, autosomal recessive. Last evaluated: 2022-10-27. Review status: criteria provided, single submitter. Criteria: Invitae Variant Classification Sherloc (09022015). Collection method: clinical testing. Allele origin: germline.
Comment: This sequence change replaces serine, which is neutral and polar, with proline, which is neutral and non-polar, at codon 501 of the PROS1 protein (p.Ser501Pro). This variant is present in population databases (rs121918472, gnomAD 0.3%), including at least one homozygous and/or hemizygous individual. This variant is known as the Heerlen variant, also reported as Ser460Pro. This variant has been reported in several individuals with type III protein S deficiency and it segregates with disease in multiple families but some carriers are unaffected (PMID: 7579448, 1547381, 12960605, 24119292). The pathogenicity of this variant is much debated in the literature with reports that argue for a pathogenic classification, a benign polymorphism as well as a modifier that works in synergy with other genetic factors. It has also been observed to segregate with disease in related individuals. This variant has been classified as a polymorphism in some reports because it is present at a similar frequency in controls as well as affected individuals (PMID: 2143091, 24014240) and it has been reported in unaffected family members (PMID: 15147381). In contrast, several studies report a statistically significant increase in the Heerlen allele frequency in individuals with low protein S levels and/or venous thrombosis (PMID: 8765219, 7579448, 10669162, 28374852). In addition, individuals homozygous for Heerlen have been reported to have lower protein S levels and a more severe type I form compared to individuals that are heterozygous (PMID: 10887114, 10669162). Finally, several reports suggest that the Heerlen variant shows synergy with other genetic risks for thrombosis such as Factor V Leiden and/or APC (activated protein C) variants (PMID: 8765219, 10669162, 20880255, 24365770). One functional study reports a synergy with Factor V Leiden mutation and a reduced capacity for the Heerlen variant to act as a co-factor for APC (PMID: 10887114). ClinVar contains an entry for this variant (Variation ID: 13316). Advanced modeling of protein sequence and biophysical properties (such as structural, functional, and spatial information, amino acid conservation, physicochemical variation, residue mobility, and thermodynamic stability) performed at Invitae indicates that this missense variant is not expected to disrupt PROS1 protein function. In conclusion, there is evidence to support increased risk for protein S deficiency in heterozygous individuals and homozygous individuals show a more severe deficiency, although this variant has also been reported in unaffected family members and in control individuals. There is also evidence to support that the Heerlen variant alone has a mild effect but acts in synergy with other genetic factors. Because there is support for both a pro-pathogenic and a pro-benign effect, this sequence change has been classified as Uncertain Significance.

Genetics and Molecular Pathology, SA Pathology
Classification: Uncertain significance for Hereditary thrombophilia due to congenital protein S deficiency. Last evaluated: 2021-09-15. Review status: criteria provided, single submitter. Criteria: ACMG Guidelines, 2015. Collection method: clinical testing. Allele origin: germline. Affected: yes.

GeneDx
Classification: Uncertain significance. Last evaluated: 2020-10-15. Review status: criteria provided, single submitter. Criteria: GeneDx Variant Classification Process June 2021. Collection method: clinical testing. Allele origin: germline. Affected: yes.
Comment: Identified in multiple heterozygous individuals with protein S deficiency and some of these individuals have a history of thrombosis (Duchemin et al., 1995; Borgel et al., 1996; Espinosa-Parrilla et al., 2000; Labrouche et al., 2003; Beauchamp et al., 2004; ten Kate et al., 2008; Suchon et al., 2017; Wypasek et al., 2017); Reported in at least one asymptomatic homozygous individual with type I protein S deficiency and protein S levels lower than heterozygous individuals (Espinosa-Parilla et al., 2000; Giri et al., 2000); Segregates with protein S deficiency in multiple relatives from unrelated families; however, it was absent from some relatives with protein S deficiency, and it has been found in relatives without protein S deficiency, as well as in unrelated control individuals (Duchemin et al., 1995; Espinosa-Parrilla et al., 1997; Beauchamp et al., 2004; ten Kate et al., 2008); Several individuals with a history of thrombotic events who harbored this variant also harbored additional variants, including factor V Leiden (Borgel et al., 1996; Espinosa-Parrilla et al., 2000; Wypasek et al., 2014; Bruwer et al., 2016); Although at least one early study found no significant difference in the frequency of this variant in individuals with thrombophilia versus controls, a subsequent larger study did find an increased frequency of this variant in individuals with venous thrombosis, with an estimated odds ratio of 6.57 (Bertina et al., 1990; Suchon et al., 2017); Published in vitro assays demonstrate that the S501P variant is associated with faster clearance than wild-type protein S (Denis et al., 2005); An additional functional study suggests that S501P displays deficient APC-cofactor activity in the degradation of factor V Leiden and that there may be synergistic effects between thrombophilic risk factors, while another study reports that S501P has no impact on APC-cofactor and APC-independent coagulation activities (Giri et al., 2000; Koenen et al., 2004); In silico analysis supports that this missense variant does not alter protein structure/function; Also described as the Heerlen allele/polymorphism or S460P using alternate nomenclature; This variant is associated with the following publications: (PMID: 9108398, 15175796, 10887114, 18841302, 24119292, 29883906, 27838551, 18435454, 24365770, 24014240, 12960605, 8765219, 20880255, 31019283, 7579448, 10669162, 28607330, 28374852, 2143091, 15147381, 16100035, 21764424, 22273984)